The following is an entry in ClinVar:

ClinVar aggregate classification (germline): Likely benign (1 of 4 stars; one submission).

Submission:

GeneDx
Classification: Likely benign. Last evaluated: 2016-03-29. Review status: criteria provided, single submitter. Criteria: GeneDx Variant Classification (06012015). Collection method: clinical testing. Allele origin: germline. Affected: yes.
Comment: This variant is considered likely benign or benign based on one or more of the following criteria: it is a conservative change, it occurs at a poorly conserved position in the protein, it is predicted to be benign by multiple in silico algorithms, and/or has population frequency not consistent with disease.

NM_001127644.2(GABRA1):c.414C>T (p.Asn138=)

Gene: GABRA1 (gamma-aminobutyric acid type A receptor subunit alpha1; plus strand). Cytogenetic location: 5q34.
Variant type: single nucleotide variant.
Coding change: c.414C>T on transcript NM_001127644.2 (MANE Select); coding-DNA position 414, C replaced by T.
Protein change: p.Asn138=; no amino-acid change (asparagine 138 retained).
Molecular consequence: synonymous variant.
Genome position (GRCh38, 1-based): chr5:161,873,275, C>T. VCF-style: chr5-161873275-C-T. GRCh37 (hg19) VCF-style: chr5-161300281-C-T.
Other names: c.414C>T, p.Asn138= (NM_000806.5, NM_001127643.2, NM_001127645.2 and 1 more transcripts).
Identifiers: ClinVar variation 384936 (VCV000384936.1), dbSNP rs1057522080, ClinGen allele CA16605317.